The following is an entry in ClinVar:

ClinVar aggregate classification (germline): Uncertain significance (1 of 4 stars; one submission).

Conditions:
Amyloidosis, primary localized cutaneous, 1. Also called: Lichen amyloidosis familial; Amyloidosis 9; AMYLOIDOSIS, PRIMARY CUTANEOUS, 1; AMYLOIDOSIS IX. Identifiers: Orphanet 353220, MedGen C4551501, MONDO:0024522, OMIM 105250.

gnomAD v4.1: 39 of 1,612,700 alleles (0.0024%); highest among the groups gnomAD compares: Middle Eastern, 0.016%; no homozygotes.

Submission:

Juno Genomics, Hangzhou Juno Genomics, Inc
Classification: Uncertain significance for Amyloidosis, primary localized cutaneous, 1. Review status: criteria provided, single submitter. Criteria: ACMG Guidelines, 2015. Collection method: clinical testing. Allele origin: germline. Affected: yes.
Comment: Absent from controls (or at extremely low frequency if recessive) in Genome Aggregation Database, Exome Sequencing Project, 1000 Genomes Project, or Exome Aggregation Consortium.

NM_003999.3(OSMR):c.1786C>T (p.Arg596Ter)

Gene: OSMR (oncostatin M receptor; plus strand). Cytogenetic location: 5p13.1.
Variant type: single nucleotide variant.
Coding change: c.1786C>T on transcript NM_003999.3 (MANE Select); coding-DNA position 1786, C replaced by T.
Protein change: p.Arg596Ter; replaces arginine 596 with a stop codon.
Molecular consequence: nonsense.
Genome position (GRCh38, 1-based): chr5:38,923,170, C>T. VCF-style: chr5-38923170-C-T. GRCh37 (hg19) VCF-style: chr5-38923272-C-T.
Other names: c.1786C>T, p.Arg596Ter (NM_001323505.2); c.1789C>T, p.Arg597Ter (NM_001323506.2); short protein forms R596*, R597*.
Identifiers: ClinVar variation 3383184 (VCV003383184.2), dbSNP rs199844167.
Genomic context (GRCh38, chr5:38,923,170, plus strand): 5'-TCATTCTGTTATTAAAAATCTGTTGACTTTTTTTCCCTAGATGCTTTTAGGCCAGGAGTT[C>T]GATATGACTTCAGAATTTATGGGTTATCTACAAAAAGGATTGCTTGTTTATTAGAGAAAA-3'